The following is an entry in ClinVar:

ClinVar aggregate classification (germline): Uncertain significance (1 of 4 stars; one submission).

Conditions:
Hereditary cancer-predisposing syndrome. Also called: Neoplastic Syndromes, Hereditary; Tumor predisposition; Hereditary Cancer Syndrome; Hereditary neoplastic syndrome. Identifiers: Orphanet 140162, MedGen C0027672, MeSH D009386, MONDO:0015356.

Submission:

Ambry Genetics
Classification: Uncertain significance for Hereditary cancer-predisposing syndrome. Last evaluated: 2026-05-27. Review status: criteria provided, single submitter. Criteria: Ambry Variant Classification Scheme 2023. Collection method: clinical testing. Allele origin: germline.
Comment: The c.83_109del27 variant (also known as p.A28_T36del) is located in coding exon 1 of the PTCH1 gene. This variant results from an in-frame CTGGAGGCGGGAGGCGCAGACGGACGG deletion at nucleotide positions 83 to 109. This results in the in-frame deletion of AGGGRRRRT residues at codons 28 to 36. This amino acid region is well conserved in available vertebrate species. In addition, this variant is predicted to be neutral by in silico analysis (Choi Y et al. PLoS ONE. 2012; 7(10):e46688). Based on the available evidence, the clinical significance of this variant remains unclear.

NM_000264.5(PTCH1):c.83_109del (p.Ala28_Thr36del)

Genes: PTCH1 (patched 1; minus strand), LOC130002133 (ATAC-STARR-seq lymphoblastoid silent region 20071; plus strand). Cytogenetic location: 9q22.32.
Variant type: Deletion.
Coding change: c.83_109del on transcript NM_000264.5 (MANE Select); coding-DNA positions 83 to 109, 27 bases deleted (CTGGAGGCGGGAGGCGCAGACGGACGG).
Protein change: p.Ala28_Thr36del.
Molecular consequence: inframe deletion. On other transcripts: non-coding transcript variant (1), intron variant (3), inframe indel (1).
Genome position (GRCh38, 1-based): chr9:95,508,253-95,508,279, CCGTCCGTCTGCGCCTCCCGCCTCCAG deleted on the plus strand (CTGGAGGCGGGAGGCGCAGACGGACGG on the coding strand, the reverse complement: PTCH1 is on the minus strand); deleting any 27 consecutive bases within chr9:95,508,253-95,508,282 gives the same sequence; the c. name uses the placement nearest the transcript's 3' end. VCF-style (leftmost placement, unchanged base first): chr9-95508252-CCCGTCCGTCTGCGCCTCCCGCCTCCAG-C. GRCh37 (hg19) VCF-style: chr9-98270534-CCCGTCCGTCTGCGCCTCCCGCCTCCAG-C.
Other names: c.83_109del, p.Ala28_Thr36del (NM_001354918.2); c.199-1680_199-1654del (NM_001083603.3); c.4-1680_4-1654del (NM_001083602.3, NM_001354919.2); c.83_109del27 (NM_000264.3).
Identifiers: ClinVar variation 4862701 (VCV004862701.1).